The following is an entry in ClinVar:

NM_198578.4(LRRK2):c.4057C>A (p.Gln1353Lys)

Gene: LRRK2 (leucine rich repeat kinase 2; plus strand). Cytogenetic location: 12q12.
Variant type: single nucleotide variant.
Coding change: c.4057C>A on transcript NM_198578.4 (MANE Select); coding-DNA position 4057, C replaced by A.
Protein change: p.Gln1353Lys; replaces glutamine 1353 with lysine.
Molecular consequence: missense variant.
Genome position (GRCh38, 1-based): chr12:40,308,564, C>A. VCF-style: chr12-40308564-C-A. GRCh37 (hg19) VCF-style: chr12-40702366-C-A.
Other names: c.4057C>A (NM_198578.3); short protein forms Q1353K.
Identifiers: ClinVar variation 1982477 (VCV001982477.6), dbSNP rs200526782, ClinGen allele CA6514074.

ClinVar aggregate classification (germline): Uncertain significance. Review status: criteria provided, multiple submitters, no conflicts (2 of 4 stars). 3 submissions from 3 submitters: Uncertain significance (3). Last evaluated 2025-01-31.

Conditions:
LRRK2-related disorder. Also called: LRRK2-related condition.
Autosomal dominant Parkinson disease 8. Also called: LRRK2-Related Parkinson Disease; Parkinson disease 8; Parkinson disease 8, susceptibility to. Identifiers: Orphanet 411602, MedGen C1846862, MONDO:0011764, OMIM 607060.

Allele frequency attached by ClinVar (database versions not stated): TOPMed 0.00003; gnomAD 0.00005; ExAC 0.00007.
gnomAD v4.1: 72 of 1,613,846 alleles (0.0045%); highest among the groups gnomAD compares: Non-Finnish European, 0.0057%; no homozygotes.

Submissions (3):

PreventionGenetics, part of Exact Sciences
Classification: Uncertain significance for LRRK2-related condition. Last evaluated: 2025-01-31. Review status: criteria provided, single submitter. Criteria: ACMG Guidelines, 2015. Collection method: clinical testing. Allele origin: germline.
Comment: The LRRK2 c.4057C>A variant is predicted to result in the amino acid substitution p.Gln1353Lys. This variant has been reported in a patient with Parkinson disease (Trinh et al. 2015. PubMed ID: 26213354). This variant is reported in 0.010% of alleles in individuals of European (Non-Finnish) descent in gnomAD. At this time, the clinical significance of this variant is uncertain due to the absence of conclusive functional and genetic evidence.

Labcorp Genetics (formerly Invitae), Labcorp
Classification: Uncertain significance for Autosomal dominant Parkinson disease 8. Last evaluated: 2024-04-02. Review status: criteria provided, single submitter. Criteria: Invitae Variant Classification Sherloc (09022015). Collection method: clinical testing. Allele origin: germline.
Comment: This sequence change replaces glutamine, which is neutral and polar, with lysine, which is basic and polar, at codon 1353 of the LRRK2 protein (p.Gln1353Lys). This variant is present in population databases (rs200526782, gnomAD 0.009%). This missense change has been observed in individual(s) with Parkinson disease (PMID: 26213354). This variant is also known as c.4059C>A. ClinVar contains an entry for this variant (Variation ID: 1982477). Advanced modeling of protein sequence and biophysical properties (such as structural, functional, and spatial information, amino acid conservation, physicochemical variation, residue mobility, and thermodynamic stability) has been performed at Invitae for this missense variant, however the output from this modeling did not meet the statistical confidence thresholds required to predict the impact of this variant on LRRK2 protein function. In summary, the available evidence is currently insufficient to determine the role of this variant in disease. Therefore, it has been classified as a Variant of Uncertain Significance.

Fulgent Genetics
Classification: Uncertain significance for Autosomal dominant Parkinson disease 8. Last evaluated: 2024-03-10. Review status: criteria provided, single submitter. Criteria: ACMG Guidelines, 2015. Collection method: clinical testing. Allele origin: germline.

Literature cited by the submitters: PubMed 26213354 (cited by Labcorp Genetics (formerly Invitae), Labcorp).